The following is an entry in ClinVar:

ClinVar aggregate classification (germline): Uncertain significance (1 of 4 stars; one submission).

Submission:

GeneDx
Classification: Uncertain significance. Last evaluated: 2025-04-02. Review status: criteria provided, single submitter. Criteria: GeneDx Variant Classification Process June 2021. Collection method: clinical testing. Allele origin: germline. Affected: yes.
Comment: Not observed at significant frequency in large population cohorts (gnomAD); In silico analysis indicates that this missense variant does not alter protein structure/function; Has not been previously published as pathogenic or benign to our knowledge

NM_000091.5(COL4A3):c.631C>T (p.Pro211Ser)

Genes: COL4A3 (collagen type IV alpha 3 chain; plus strand), MFF-DT (MFF divergent transcript; minus strand). Cytogenetic location: 2q36.3.
Variant type: single nucleotide variant.
Coding change: c.631C>T on transcript NM_000091.5 (MANE Select); coding-DNA position 631, C replaced by T.
Protein change: p.Pro211Ser; replaces proline 211 with serine.
Molecular consequence: missense variant.
Genome position (GRCh38, 1-based): chr2:227,251,357, C>T. VCF-style: chr2-227251357-C-T. GRCh37 (hg19) VCF-style: chr2-228116073-C-T.
Other names: short protein forms P211S.
Identifiers: ClinVar variation 4278857 (VCV004278857.1).